The following is an entry in ClinVar:

NM_006493.4(CLN5):c.653dup (p.Glu219fs)

Gene: CLN5 (CLN5 lysosomal BMP synthase; plus strand). Cytogenetic location: 13q22.3.
Variant type: Duplication.
Coding change: c.653dup on transcript NM_006493.4 (MANE Select); coding-DNA position 653, one base duplicated (C; older notation c.653dupC).
Protein change: p.Glu219fs; shifts the reading frame from glutamic acid 219.
Molecular consequence: frameshift variant. On other transcripts: 3 prime UTR variant (1).
Genome position (GRCh38, 1-based): chr13:77,000,545, C duplicated; the last of 3 consecutive C bases (chr13:77,000,543-77,000,545); duplicating any one gives the same sequence. VCF-style (leftmost placement, unchanged base first): chr13-77000542-G-GC. GRCh37 (hg19) VCF-style: chr13-77574677-G-GC.
Other names: c.*102dup (NM_001366624.2); short protein forms E219fs.
Identifiers: ClinVar variation 2113602 (VCV002113602.4), dbSNP rs2501155146, ClinGen allele CA2580087771.

ClinVar aggregate classification (germline): Pathogenic (1 of 4 stars; one submission).

Conditions:
Neuronal ceroid lipofuscinosis. Also called: Neuronal Ceroid Lipofuscinoses. Identifiers: Orphanet 216, Orphanet 79263, MedGen C0027877, MONDO:0016295. Disease mechanism: loss of function.

Submission:

Labcorp Genetics (formerly Invitae), Labcorp
Classification: Pathogenic for Neuronal ceroid lipofuscinosis. Last evaluated: 2022-11-29. Review status: criteria provided, single submitter. Criteria: Invitae Variant Classification Sherloc (09022015). Collection method: clinical testing. Allele origin: germline.
Comment: For these reasons, this variant has been classified as Pathogenic. This variant disrupts a region of the CLN5 protein in which other variant(s) (p.Trp274*) have been determined to be pathogenic (Invitae). This suggests that this is a clinically significant region of the protein, and that variants that disrupt it are likely to be disease-causing. This variant has not been reported in the literature in individuals affected with CLN5-related conditions. This variant is not present in population databases (gnomAD no frequency). This sequence change creates a premature translational stop signal (p.Glu268Argfs*9) in the CLN5 gene. While this is not anticipated to result in nonsense mediated decay, it is expected to disrupt the last 140 amino acid(s) of the CLN5 protein.